The following is an entry in ClinVar:

NM_002294.3(LAMP2):c.967G>A (p.Ala323Thr)

Gene: LAMP2 (lysosomal associated membrane protein 2; minus strand). Cytogenetic location: Xq24.
Variant type: single nucleotide variant.
Coding change: c.967G>A on transcript NM_002294.3 (MANE Select); coding-DNA position 967, G replaced by A.
Protein change: p.Ala323Thr; replaces alanine 323 with threonine.
Molecular consequence: missense variant.
Genome position (GRCh38, 1-based): chrX:120,441,856, C>T on the plus strand (G>A on the coding strand, the complement: LAMP2 is on the minus strand). VCF-style: chrX-120441856-C-T. GRCh37 (hg19) VCF-style: chrX-119575711-C-T.
Other names: p.Ala323Thr; c.967G>A, p.Ala323Thr (NM_001122606.1, NM_013995.2); short protein forms A323T.
Identifiers: ClinVar variation 4542495 (VCV004542495.1).

ClinVar aggregate classification (germline): Uncertain significance (1 of 4 stars; one submission).

Submission:

Mayo Clinic Laboratories, Mayo Clinic
Classification: Uncertain significance. Last evaluated: 2025-10-20. Review status: criteria provided, single submitter. Criteria: ACMG Guidelines, 2015. Collection method: clinical testing. Allele origin: germline. Observed: 1 variant allele.
Comment: PM2_supporting